The following is an entry in ClinVar:

NM_152641.4(ARID2):c.5006G>A (p.Trp1669Ter)

Gene: ARID2 (AT-rich interaction domain 2; plus strand). Cytogenetic location: 12q12.
Variant type: single nucleotide variant.
Coding change: c.5006G>A on transcript NM_152641.4 (MANE Select); coding-DNA position 5006, G replaced by A.
Protein change: p.Trp1669Ter; replaces tryptophan 1669 with a stop codon.
Molecular consequence: nonsense.
Genome position (GRCh38, 1-based): chr12:45,891,863, G>A. VCF-style: chr12-45891863-G-A. GRCh37 (hg19) VCF-style: chr12-46285646-G-A.
Other names: c.5006G>A, p.Trp1669Ter (NM_001347839.2); short protein forms W1669*.
Identifiers: ClinVar variation 3897242 (VCV003897242.1).
Genomic context (GRCh38, chr12:45,891,863, plus strand): 5'-TTTTCTACCATGCAGCAACTGAACATGGAGGAAAAGATGTATATCCAGGGCAGTGTCTTT[G>A]GGAAGGTTGTGAGCCTTTTCAGCGACAGCGGTTTTCTTTTATTACCCACTTGCAGGTACA-3'

ClinVar aggregate classification (germline): Pathogenic (1 of 4 stars; one submission).

Submission:

GeneDx
Classification: Pathogenic. Last evaluated: 2024-10-31. Review status: criteria provided, single submitter. Criteria: GeneDx Variant Classification Process June 2021. Collection method: clinical testing. Allele origin: germline. Affected: yes.
Comment: Nonsense variant predicted to result in protein truncation or nonsense mediated decay in a gene for which loss of function is a known mechanism of disease; Not observed at significant frequency in large population cohorts (gnomAD); This variant is associated with the following publications: (PMID: 35982159, 37500730, 33057194)